The following is an entry in ClinVar:

NM_015330.6(SPECC1L):c.2701C>T (p.Leu901=)

Genes: SPECC1L (sperm antigen with calponin homology and coiled-coil domains 1 like; plus strand), SPECC1L-ADORA2A (SPECC1L-ADORA2A readthrough (NMD candidate); plus strand). Cytogenetic location: 22q11.23.
Variant type: single nucleotide variant.
Coding change: c.2701C>T on transcript NM_015330.6 (MANE Select); coding-DNA position 2701, C replaced by T.
Protein change: p.Leu901=; no amino-acid change (leucine 901 retained).
Molecular consequence: synonymous variant. On other transcripts: non-coding transcript variant (1), 5 prime UTR variant (1).
Genome position (GRCh38, 1-based): chr22:24,347,134, C>T. VCF-style: chr22-24347134-C-T. GRCh37 (hg19) VCF-style: chr22-24743102-C-T.
Other names: c.2701C>T, p.Leu901= (NM_001145468.4, NM_001254732.3); c.-102C>T (NM_001254733.2).
Identifiers: ClinVar variation 748393 (VCV000748393.21), dbSNP rs200930433, ClinGen allele CA10152408.

ClinVar aggregate classification (germline): Likely benign. Review status: criteria provided, multiple submitters, no conflicts (2 of 4 stars). 4 submissions from 4 submitters: Likely benign (3). 1 of the submissions does not count toward it. Last evaluated 2025-11-16.

Conditions:
SPECC1L-related disorder. Also called: SPECC1L-related condition.

Allele frequency attached by ClinVar (database versions not stated): gnomAD exomes 0.00003 and 0.00006; ExAC 0.00005; gnomAD 0.00007; TOPMed 0.00007.
gnomAD v4.1: 63 of 1,613,910 alleles (0.0039%); highest among the groups gnomAD compares: Middle Eastern, 0.033%; no homozygotes.

Submissions (4):

Labcorp Genetics (formerly Invitae), Labcorp
Classification: Likely benign. Last evaluated: 2025-11-16. Review status: criteria provided, single submitter. Criteria: Invitae Variant Classification Sherloc (09022015). Collection method: clinical testing. Allele origin: germline.

CeGaT Center for Human Genetics Tuebingen
Classification: Likely benign. Last evaluated: 2024-12-01. Review status: criteria provided, single submitter. Criteria: CeGaT Center For Human Genetics Tuebingen Variant Classification Criteria Version 2. Collection method: clinical testing. Allele origin: germline. Affected: yes. Observed: 1 variant allele.
Comment: SPECC1L: BP4, BP7

Breakthrough Genomics
Classification: Likely benign. Review status: criteria provided, single submitter. Criteria: ACMG Guidelines, 2015. Collection method: not provided. Allele origin: germline. Inheritance: Autosomal dominant inheritance. Affected: yes.

PreventionGenetics, part of Exact Sciences
Classification: Likely benign for SPECC1L-related condition. Last evaluated: 2023-08-29. Review status: no assertion criteria provided. Collection method: clinical testing. Allele origin: germline. Not counted in ClinVar's aggregate classification.
Comment: This variant is classified as likely benign based on ACMG/AMP sequence variant interpretation guidelines (Richards et al. 2015 PMID: 25741868, with internal and published modifications).